The following is an entry in ClinVar:

ClinVar aggregate classification (germline): Uncertain significance (1 of 4 stars; one submission).

Conditions:
Mucopolysaccharidosis type 6 (MPS6). Also called: MPS 6; Maroteaux Lamy syndrome; N-ACETYLGALACTOSAMINE-4-SULFATASE DEFICIENCY; MPS VI; ARSB DEFICIENCY; ARYLSULFATASE B DEFICIENCY. Identifiers: Orphanet 583, MedGen C0026709, MONDO:0009661, OMIM 253200.

Allele frequency attached by ClinVar (database versions not stated): gnomAD exomes 0.00001; ExAC 0.00002; gnomAD 0.00002; TOPMed 0.00002; ESP Exome Variant Server 0.00008.
gnomAD v4.1: 16 of 1,614,078 alleles (0.00099%); highest among the groups gnomAD compares: Non-Finnish European, 0.0013%; no homozygotes.

Submission:

Labcorp Genetics (formerly Invitae), Labcorp
Classification: Uncertain significance for Mucopolysaccharidosis type 6. Last evaluated: 2021-09-02. Review status: criteria provided, single submitter. Criteria: Invitae Variant Classification Sherloc (09022015). Collection method: clinical testing. Allele origin: germline.
Comment: This sequence change replaces leucine with serine at codon 306 of the ARSB protein (p.Leu306Ser). The leucine residue is moderately conserved and there is a large physicochemical difference between leucine and serine. This variant is present in population databases (rs143111531, ExAC 0.006%). This variant has not been reported in the literature in individuals affected with ARSB-related conditions. Algorithms developed to predict the effect of missense changes on protein structure and function (SIFT, PolyPhen-2, Align-GVGD) all suggest that this variant is likely to be tolerated. In summary, the available evidence is currently insufficient to determine the role of this variant in disease. Therefore, it has been classified as a Variant of Uncertain Significance.

NM_000046.5(ARSB):c.917T>C (p.Leu306Ser)

Gene: ARSB (arylsulfatase B; minus strand). Cytogenetic location: 5q14.1.
Variant type: single nucleotide variant.
Coding change: c.917T>C on transcript NM_000046.5 (MANE Select); coding-DNA position 917, T replaced by C.
Protein change: p.Leu306Ser; replaces leucine 306 with serine.
Molecular consequence: missense variant.
Genome position (GRCh38, 1-based): chr5:78,885,809, A>G on the plus strand (T>C on the coding strand, the complement: ARSB is on the minus strand). VCF-style: chr5-78885809-A-G. GRCh37 (hg19) VCF-style: chr5-78181632-A-G.
Other names: c.917T>C, p.Leu306Ser (NM_198709.3); short protein forms L306S.
Identifiers: ClinVar variation 2197763 (VCV002197763.1), dbSNP rs143111531, ClinGen allele CA3318147.
Genomic context (GRCh38, chr5:78,885,809, plus strand): 5'-ACGCCTCCTTCCCACAGGCTCCATTTTCTTCCTCGAAGGGGCCAGTTATTACCCCCTGCC[A>G]AAGTCTGCCCTCCGTTATCTGAAACACAGTAAGGTCTTGGCATGAGGATGATGTTAACTC-3'
Protein context (NP_000037.2, residues 296-316): IFSTDNGGQT[Leu306Ser]AGGNNWPLRG